The following is an entry in ClinVar:

ClinVar aggregate classification (germline): Likely pathogenic (1 of 4 stars; one submission).

Conditions:
Marfan Syndrome/Loeys-Dietz Syndrome/Familial Thoracic Aortic Aneurysms and Dissections. Identifiers: MedGen CN229799.

Submission:

Women's Health and Genetics/Laboratory Corporation of America, LabCorp
Classification: Likely pathogenic for Marfan Syndrome/Loeys-Dietz Syndrome/Familial Thoracic Aortic Aneurysms and Dissections. Last evaluated: 2016-04-29. Review status: criteria provided, single submitter. Criteria: LabCorp Variant Classification Summary - May 2015. Collection method: clinical testing. Allele origin: germline.
Comment: Variant summary: The FBN1 c.1511G>C (p.Cys504Ser) variant affects a conserved nucleotide and 4/4 in-silico tools predict a damaging outcome. This variant is absent in 121060 control chromosomes. The variant of interest has not, to our knowledge, been reported in affected individuals via publications and/or reputable databases/clinical laboratories; nor evaluated for functional impact by in vivo/vitro studies. However, this variant is located in Calcium binding EGF-like domain and affects Cystine, which is critical for FBN1 function. In addition, other variants affecting Cys504, p.Cys504Arg, p.Cys504Tyr, and p.Cys504Phe, have been shown to associated with MFS (HGMD, UMD). Taken together, this variant is classified as Likely Pathogenic.

NM_000138.5(FBN1):c.1511G>C (p.Cys504Ser)

Gene: FBN1 (fibrillin 1; minus strand). Cytogenetic location: 15q21.1.
Variant type: single nucleotide variant.
Coding change: c.1511G>C on transcript NM_000138.5 (MANE Select); coding-DNA position 1511, G replaced by C.
Protein change: p.Cys504Ser; replaces cysteine 504 with serine.
Molecular consequence: missense variant.
Genome position (GRCh38, 1-based): chr15:48,513,626, C>G on the plus strand (G>C on the coding strand, the complement: FBN1 is on the minus strand). VCF-style: chr15-48513626-C-G. GRCh37 (hg19) VCF-style: chr15-48805823-C-G.
Other names: short protein forms C504S.
Identifiers: ClinVar variation 495557 (VCV000495557.1), dbSNP rs1156747241, ClinGen allele CA392342609.